The following is an entry in ClinVar:

ClinVar aggregate classification (germline): Benign. Review status: criteria provided, multiple submitters, no conflicts (2 of 4 stars). 2 submissions from 2 submitters: Benign (2). Last evaluated 2016-12-27.

Allele frequency attached by ClinVar (database versions not stated): gnomAD exomes 0.00253 and 0.00677; ExAC 0.00828; 1000 Genomes Project 0.02336; 1000 Genomes Project 30x 0.02452; gnomAD 0.02549 and 0.02750; ESP Exome Variant Server 0.02914; TOPMed 0.02968.
gnomAD v4.1: 7,777 of 1,613,872 alleles (0.48%); highest among the groups gnomAD compares: African/African-American, 9%; 332 homozygotes.

Submissions (13):

Women's Health and Genetics/Laboratory Corporation of America, LabCorp
Classification: Benign. Last evaluated: 2016-12-27. Review status: criteria provided, single submitter. Criteria: LabCorp Variant Classification Summary - May 2015. Collection method: clinical testing. Allele origin: germline.
Comment: Variant summary: The LIG3 c.2472A>G (p.Gln824Gln) variant involves the alteration of a non-conserved nucleotide, resulting in a synonymous change. Mutation Taster predicts a polymorphism outcome for this variant. 3/5 splice prediction tools predict no significant impact on normal splicing. This variant was found in 1002/121000 control chromosomes (including 43 homozygotes) from ExAC, predominantly observed in the African subpopulation at a frequency of 0.0885417 (918/10368). This frequency is about 8854 times the estimated maximal expected allele frequency of a pathogenic LIG3 variant (0.00001), suggesting this is a benign polymorphism found primarily in the populations of African origin. The variant of interest has not, to our knowledge, been reported in affected individuals in literature. Taken together, this variant is classified as Benign.

Breakthrough Genomics
Classification: Benign. Review status: criteria provided, single submitter. Criteria: ACMG Guidelines, 2015. Collection method: not provided. Allele origin: germline. Inheritance: Autosomal recessive inheritance. Affected: yes.

Dr. Peter K. Rogan Lab, Western University
No classification provided (evidence only). Condition: Clear cell carcinoma of kidney. Review status: no classification provided. Collection method: in vitro. Allele origin: not applicable. Functional consequence: retained intron. Not counted in ClinVar's aggregate classification.

Dr. Peter K. Rogan Lab, Western University
No classification provided (evidence only). Condition: Lung cancer. Review status: no classification provided. Collection method: in vitro. Allele origin: not applicable. Functional consequence: skipped exon, retained intron. Not counted in ClinVar's aggregate classification.

Dr. Peter K. Rogan Lab, Western University
No classification provided (evidence only). Condition: Uterine corpus endometrial carcinoma. Review status: no classification provided. Collection method: in vitro. Allele origin: not applicable. Functional consequence: retained intron. Not counted in ClinVar's aggregate classification.

Dr. Peter K. Rogan Lab, Western University
No classification provided (evidence only). Condition: Uterine corpus endometrial carcinoma. Review status: no classification provided. Collection method: in vitro. Allele origin: not applicable. Functional consequence: skipped exon. Not counted in ClinVar's aggregate classification.

Dr. Peter K. Rogan Lab, Western University
No classification provided (evidence only). Condition: Uterine corpus endometrial carcinoma. Review status: no classification provided. Collection method: in vitro. Allele origin: not applicable. Functional consequence: retained intron. Not counted in ClinVar's aggregate classification.

Dr. Peter K. Rogan Lab, Western University
No classification provided (evidence only). Condition: Cervical cancer. Review status: no classification provided. Collection method: in vitro. Allele origin: not applicable. Functional consequence: skipped exon. Not counted in ClinVar's aggregate classification.

Dr. Peter K. Rogan Lab, Western University
No classification provided (evidence only). Condition: Cervical cancer. Review status: no classification provided. Collection method: in vitro. Allele origin: not applicable. Functional consequence: skipped exon. Not counted in ClinVar's aggregate classification.

Dr. Peter K. Rogan Lab, Western University
No classification provided (evidence only). Condition: Hepatocellular carcinoma. Review status: no classification provided. Collection method: in vitro. Allele origin: not applicable. Functional consequence: retained intron. Not counted in ClinVar's aggregate classification.

Dr. Peter K. Rogan Lab, Western University
No classification provided (evidence only). Condition: Hepatocellular carcinoma. Review status: no classification provided. Collection method: in vitro. Allele origin: not applicable. Functional consequence: retained intron. Not counted in ClinVar's aggregate classification.

Dr. Peter K. Rogan Lab, Western University
No classification provided (evidence only). Condition: Nonpapillary renal cell carcinoma. Review status: no classification provided. Collection method: in vitro. Allele origin: not applicable. Functional consequence: retained intron. Not counted in ClinVar's aggregate classification.

Dr. Peter K. Rogan Lab, Western University
No classification provided (evidence only). Condition: Uterine carcinosarcoma. Review status: no classification provided. Collection method: in vitro. Allele origin: not applicable. Functional consequence: skipped exon. Not counted in ClinVar's aggregate classification.

NM_013975.4(LIG3):c.2472A>G (p.Gln824=)

Gene: LIG3 (DNA ligase 3; plus strand). Cytogenetic location: 17q12.
Variant type: single nucleotide variant.
Coding change: c.2472A>G on transcript NM_013975.4 (MANE Select); coding-DNA position 2472, A replaced by G.
Protein change: p.Gln824=; no amino-acid change (glutamine 824 retained).
Molecular consequence: synonymous variant.
Genome position (GRCh38, 1-based): chr17:35,001,397, A>G. VCF-style: chr17-35001397-A-G. GRCh37 (hg19) VCF-style: chr17-33328416-A-G.
Other names: NC_000017.10:g.33328416A>G; c.2472A>G, p.Gln824= (NM_002311.5).
Identifiers: ClinVar variation 496417 (VCV000496417.3), dbSNP rs3136022, ClinGen allele CA8498666.